The following is an entry in ClinVar:

NM_017636.4(TRPM4):c.893G>A (p.Cys298Tyr)

Gene: TRPM4 (transient receptor potential cation channel subfamily M member 4; plus strand). Cytogenetic location: 19q13.33.
Variant type: single nucleotide variant.
Coding change: c.893G>A on transcript NM_017636.4 (MANE Select); coding-DNA position 893, G replaced by A.
Protein change: p.Cys298Tyr; replaces cysteine 298 with tyrosine.
Molecular consequence: missense variant. On other transcripts: 5 prime UTR variant (1).
Genome position (GRCh38, 1-based): chr19:49,171,612, G>A. VCF-style: chr19-49171612-G-A. GRCh37 (hg19) VCF-style: chr19-49674869-G-A.
Other names: c.893G>A, p.Cys298Tyr (NM_001195227.2); c.548G>A, p.Cys183Tyr (NM_001321281.2); c.-661G>A (NM_001321282.2); c.371G>A, p.Cys124Tyr (NM_001321283.2); c.44G>A, p.Cys15Tyr (NM_001321285.2); short protein forms C124Y, C15Y, C183Y, C298Y.
Identifiers: ClinVar variation 1317004 (VCV001317004.7), dbSNP rs752132967, ClinGen allele CA9569010.

ClinVar aggregate classification (germline): Uncertain significance. Review status: criteria provided, multiple submitters, no conflicts (2 of 4 stars). 2 submissions from 2 submitters: Uncertain significance (2). Last evaluated 2022-03-18.

Conditions:
Progressive familial heart block type IB (PFHB1B). Identifiers: Orphanet 871, MedGen C1970298, MONDO:0011474, OMIM 604559.

Allele frequency attached by ClinVar (database versions not stated): gnomAD exomes below 0.00001 and 0.00001; TOPMed below 0.00001; ExAC 0.00001.
gnomAD v4.1: 3 of 1,614,128 alleles (0.00019%); highest among the groups gnomAD compares: Admixed American, 0.0017%; no homozygotes.

Submissions (2):

Labcorp Genetics (formerly Invitae), Labcorp
Classification: Uncertain significance for Progressive familial heart block type IB. Last evaluated: 2022-03-18. Review status: criteria provided, single submitter. Criteria: Invitae Variant Classification Sherloc (09022015). Collection method: clinical testing. Allele origin: germline.
Comment: This sequence change replaces cysteine, which is neutral and slightly polar, with tyrosine, which is neutral and polar, at codon 298 of the TRPM4 protein (p.Cys298Tyr). This variant is not present in population databases (gnomAD no frequency). This variant has not been reported in the literature in individuals affected with TRPM4-related conditions. ClinVar contains an entry for this variant (Variation ID: 1317004). Algorithms developed to predict the effect of missense changes on protein structure and function (SIFT, PolyPhen-2, Align-GVGD) all suggest that this variant is likely to be tolerated. In summary, the available evidence is currently insufficient to determine the role of this variant in disease. Therefore, it has been classified as a Variant of Uncertain Significance.

GeneDx
Classification: Uncertain significance. Last evaluated: 2019-06-07. Review status: criteria provided, single submitter. Criteria: GeneDx Variant Classification Process June 2021. Collection method: clinical testing. Allele origin: germline. Affected: yes.
Comment: Not observed in large population cohorts (Lek et al., 2016); In silico analysis, which includes protein predictors and evolutionary conservation, supports a deleterious effect; Has not been previously published as pathogenic or benign to our knowledge